The following is an entry in ClinVar:

NM_002337.4(LRPAP1):c.593-98C>T

Gene: LRPAP1 (LDL receptor related protein associated protein 1; minus strand). Cytogenetic location: 4p16.3.
Variant type: single nucleotide variant.
Coding change: c.593-98C>T on transcript NM_002337.4 (MANE Select); 98 bases into the intron before coding-DNA position 593, C replaced by T.
Molecular consequence: intron variant.
Genome position (GRCh38, 1-based): chr4:3,518,290, G>A on the plus strand (C>T on the coding strand, the complement: LRPAP1 is on the minus strand). VCF-style: chr4-3518290-G-A. GRCh37 (hg19) VCF-style: chr4-3520017-G-A.
Identifiers: ClinVar variation 4855372 (VCV004855372.1).
Genomic context (GRCh38, chr4:3,518,290, plus strand): 5'-TCCTCGCACTGCCTGCCCAGACCACTGTCTAGAACGCCCACTGCTGGGGAGCTCAAACTC[G>A]CTCTCATTTCTGGGCTGAAAATGTCCCCCTTCCGCGGTCCTGCAGCGCCGCAGAAACGAC-3'

ClinVar aggregate classification (germline): Uncertain significance (1 of 4 stars; one submission).

Conditions:
Myopia 23, autosomal recessive (MYP23). Identifiers: MedGen C3809482, MONDO:0014183, OMIM 615431.

gnomAD v4.1: 289 of 1,314,734 alleles (0.022%); highest among the groups gnomAD compares: Non-Finnish European, 0.028%; no homozygotes.

Submission:

3billion
Classification: Uncertain significance for Myopia 23, autosomal recessive. Last evaluated: 2026-01-23. Review status: criteria provided, single submitter. Criteria: ACMG Guidelines, 2015. Collection method: clinical testing. Allele origin: germline. Affected: yes.
Comment: The variant is observed at an extremely low frequency in the gnomAD v4.1.0 dataset (total allele frequency: <0.001%). Predicted Consequence/Location: Canonical splice site: predicted to alter splicing and result in a loss or disruption of normal protein function. Multiple pathogenic loss-of-function variants are reported downstream of the variant. In silico tools predict the variant to alter splicing and produce an abnormal transcript [SpliceAI: 1.00 (spliceogenicity >=0.2, non-spliceogenicity <0.1)]. Therefore, this variant is classified as Likely pathogenic according to the recommendation of ACMG/AMP guideline.